The following is an entry in ClinVar:

ClinVar aggregate classification (germline): Likely benign. Review status: criteria provided, multiple submitters, no conflicts (2 of 4 stars). 4 submissions from 4 submitters: Likely benign (3). 1 of the submissions does not count toward it. Last evaluated 2026-08-01.

Conditions:
TBCK-related disorder. Also called: TBCK-related condition; TBCK-related disorders.

Allele frequency attached by ClinVar (database versions not stated): ExAC 0.00013; gnomAD 0.00017 and 0.00018; TOPMed 0.00020; ESP Exome Variant Server 0.00031.
gnomAD v4.1: 439 of 1,603,110 alleles (0.027%); highest among the groups gnomAD compares: Non-Finnish European, 0.034%; no homozygotes.

Submissions (4):

CeGaT Center for Human Genetics Tuebingen
Classification: Likely benign. Last evaluated: 2026-08-01. Review status: criteria provided, single submitter. Criteria: CeGaT Center For Human Genetics Tuebingen Variant Classification Criteria Version 2. Collection method: clinical testing. Allele origin: germline. Affected: yes. Observed: 2 variant alleles.
Comment: TBCK: BP4, BP7

Labcorp Genetics (formerly Invitae), Labcorp
Classification: Likely benign. Last evaluated: 2025-11-03. Review status: criteria provided, single submitter. Criteria: Invitae Variant Classification Sherloc (09022015). Collection method: clinical testing. Allele origin: germline.

Blueprint Genetics
Classification: Likely benign. Last evaluated: 2024-08-21. Review status: criteria provided, single submitter. Criteria: ACMG Guidelines, 2015. Collection method: clinical testing. Allele origin: germline.

PreventionGenetics, part of Exact Sciences
Classification: Likely benign for TBCK-related condition. Last evaluated: 2023-11-29. Review status: no assertion criteria provided. Collection method: clinical testing. Allele origin: germline. Not counted in ClinVar's aggregate classification.
Comment: This variant is classified as likely benign based on ACMG/AMP sequence variant interpretation guidelines (Richards et al. 2015 PMID: 25741868, with internal and published modifications).

NM_001163435.3(TBCK):c.465G>A (p.Ser155=)

Gene: TBCK (TBC1 domain containing kinase; minus strand). Cytogenetic location: 4q24.
Variant type: single nucleotide variant.
Coding change: c.465G>A on transcript NM_001163435.3 (MANE Select); coding-DNA position 465, G replaced by A.
Protein change: p.Ser155=; no amino-acid change (serine 155 retained).
Molecular consequence: synonymous variant. On other transcripts: 5 prime UTR variant (1).
Genome position (GRCh38, 1-based): chr4:106,251,998, C>T on the plus strand (G>A on the coding strand, the complement: TBCK is on the minus strand). VCF-style: chr4-106251998-C-T. GRCh37 (hg19) VCF-style: chr4-107173155-C-T.
Other names: c.465G>A, p.Ser155= (NM_001163436.4, NM_001163437.3); c.-52G>A (NM_001290768.2); c.276G>A, p.Ser92= (NM_033115.5); c.465G>A (NM_001163435.2).
Identifiers: ClinVar variation 1672475 (VCV001672475.17), dbSNP rs150167219, ClinGen allele CA3035431.